The following is an entry in ClinVar:

NM_004104.5(FASN):c.5221G>A (p.Val1741Ile)

Gene: FASN (fatty acid synthase; minus strand). Cytogenetic location: 17q25.3.
Variant type: single nucleotide variant.
Coding change: c.5221G>A on transcript NM_004104.5 (MANE Select); coding-DNA position 5221, G replaced by A.
Protein change: p.Val1741Ile; replaces valine 1741 with isoleucine.
Molecular consequence: missense variant.
Genome position (GRCh38, 1-based): chr17:82,083,637, C>T on the plus strand (G>A on the coding strand, the complement: FASN is on the minus strand). VCF-style: chr17-82083637-C-T. GRCh37 (hg19) VCF-style: chr17-80041513-C-T.
Other names: short protein forms V1741I.
Identifiers: ClinVar variation 1059814 (VCV001059814.9), dbSNP rs200109185, ClinGen allele CA8851763.

ClinVar aggregate classification (germline): Uncertain significance (1 of 4 stars; one submission).

Conditions:
Epileptic encephalopathy. Identifiers: MedGen C0543888, HP:0200134.

Allele frequency attached by ClinVar (database versions not stated): gnomAD 0.00001; gnomAD exomes 0.00001 and 0.00002; TOPMed 0.00002; ExAC 0.00003; 1000 Genomes Project 30x 0.00016; 1000 Genomes Project 0.00020.
gnomAD v4.1: 18 of 1,607,696 alleles (0.0011%); highest among the groups gnomAD compares: African/African-American, 0.0093%; no homozygotes.

Submission:

Labcorp Genetics (formerly Invitae), Labcorp
Classification: Uncertain significance for Epileptic encephalopathy. Last evaluated: 2022-04-08. Review status: criteria provided, single submitter. Criteria: Invitae Variant Classification Sherloc (09022015). Collection method: clinical testing. Allele origin: germline.
Comment: ClinVar contains an entry for this variant (Variation ID: 1059814). Algorithms developed to predict the effect of missense changes on protein structure and function are either unavailable or do not agree on the potential impact of this missense change (SIFT: "Deleterious"; PolyPhen-2: "Probably Damaging"; Align-GVGD: "Class C0"). This variant has not been reported in the literature in individuals affected with FASN-related conditions. This variant is present in population databases (rs200109185, gnomAD 0.004%). This sequence change replaces valine, which is neutral and non-polar, with isoleucine, which is neutral and non-polar, at codon 1741 of the FASN protein (p.Val1741Ile). In summary, the available evidence is currently insufficient to determine the role of this variant in disease. Therefore, it has been classified as a Variant of Uncertain Significance.